The following is an entry in ClinVar:

ClinVar aggregate classification (germline): Uncertain significance (1 of 4 stars; one submission).

gnomAD v4.1: 4 of 1,614,088 alleles (0.00025%); highest among the groups gnomAD compares: Non-Finnish European, 0.00034%; no homozygotes.

Submission:

Labcorp Genetics (formerly Invitae), Labcorp
Classification: Uncertain significance. Last evaluated: 2024-12-29. Review status: criteria provided, single submitter. Criteria: Invitae Variant Classification Sherloc (09022015). Collection method: clinical testing. Allele origin: germline.
Comment: This sequence change replaces arginine, which is basic and polar, with serine, which is neutral and polar, at codon 55 of the ANG protein (p.Arg55Ser). This variant is not present in population databases (gnomAD no frequency). This missense change has been observed in individual(s) with clinical features of amyotrophic lateral sclerosis (internal data). An algorithm developed to predict the effect of missense changes on protein structure and function (PolyPhen-2) suggests that this variant is likely to be tolerated. In summary, the available evidence is currently insufficient to determine the role of this variant in disease. Therefore, it has been classified as a Variant of Uncertain Significance.

NM_001097577.3(ANG):c.165G>C (p.Arg55Ser)

Genes: ANG (angiogenin; plus strand), EGILA (EGFR interacting lncRNA; minus strand), RNASE4 (ribonuclease A family member 4; plus strand). Cytogenetic location: 14q11.2.
Variant type: single nucleotide variant.
Coding change: c.165G>C on transcript NM_001097577.3 (MANE Select); coding-DNA position 165, G replaced by C.
Protein change: p.Arg55Ser; replaces arginine 55 with serine.
Molecular consequence: missense variant. On other transcripts: non-coding transcript variant (1), intron variant (4).
Genome position (GRCh38, 1-based): chr14:20,693,729, G>C. VCF-style: chr14-20693729-G-C. GRCh37 (hg19) VCF-style: chr14-21161888-G-C.
Other names: c.165G>C, p.Arg55Ser (NM_001145.4, NM_001385271.1, NM_001385272.1 and 2 more transcripts); c.-18+79G>C (NM_001282192.2); c.-17-5626G>C (NM_002937.5, NM_001282193.2); c.-18+4855G>C (NM_194431.3); short protein forms R55S.
Identifiers: ClinVar variation 3666845 (VCV003666845.2).